The following is an entry in ClinVar:

ClinVar aggregate classification (germline): Uncertain significance. Review status: criteria provided, multiple submitters, no conflicts (2 of 4 stars). 4 submissions from 4 submitters: Uncertain significance (3). 1 of the submissions does not count toward it. Last evaluated 2025-08-09.

Conditions:
REEP1-related disorder. Also called: REEP1-related condition.
Inborn genetic diseases. Identifiers: MedGen C0950123, MeSH D030342.
Hereditary spastic paraplegia 31. Also called: SPASTIC PARAPLEGIA 31, AUTOSOMAL DOMINANT. Identifiers: Orphanet 101011, MedGen C1853247, MONDO:0012453, OMIM 610250.

Allele frequency attached by ClinVar (database versions not stated): gnomAD exomes below 0.00001; gnomAD 0.00001; TOPMed 0.00001.
gnomAD v4.1: 6 of 1,297,818 alleles (0.00046%); highest among the groups gnomAD compares: African/African-American, 0.0015%; no homozygotes.

Submissions (4):

Ambry Genetics
Classification: Uncertain significance for Inborn genetic diseases. Last evaluated: 2025-08-09. Review status: criteria provided, single submitter. Criteria: Ambry Variant Classification Scheme 2023. Collection method: clinical testing. Allele origin: germline.

Labcorp Genetics (formerly Invitae), Labcorp
Classification: Uncertain significance for Hereditary spastic paraplegia 31. Last evaluated: 2023-03-02. Review status: criteria provided, single submitter. Criteria: Invitae Variant Classification Sherloc (09022015). Collection method: clinical testing. Allele origin: germline.
Comment: ClinVar contains an entry for this variant (Variation ID: 215086). An algorithm developed to predict the effect of missense changes on protein structure and function (PolyPhen-2) suggests that this variant is likely to be disruptive. In summary, the available evidence is currently insufficient to determine the role of this variant in disease. Therefore, it has been classified as a Variant of Uncertain Significance. This variant is not present in population databases (gnomAD no frequency). This variant has not been reported in the literature in individuals affected with REEP1-related conditions. This sequence change replaces tryptophan, which is neutral and slightly polar, with glycine, which is neutral and non-polar, at codon 4 of the REEP1 protein (p.Trp4Gly).

GeneDx
Classification: Uncertain significance. Last evaluated: 2014-11-10. Review status: criteria provided, single submitter. Criteria: GeneDx Variant Classification (06012015). Collection method: clinical testing. Allele origin: germline. Affected: yes.
Comment: p.Trp4Gly (TGG>GGG): c.10 T>G in exon 1 of the REEP1 gene (*NM_022912.2) The W4G variant has not been published as a mutation, nor has it been reported as a benign polymorphism to our knowledge. It was not observed in approximately 3,900 individuals of European and African American ancestry in the NHLBI Exome Sequencing Project, indicating it is not a common benign variant in these populations. The W4G variant is a semi-conservative amino acid substitution, which may impact secondary protein structure as these residues differ in some properties. This substitution occurs at a position that is conserved across species. However, in silico analysis is inconsistent in its predictions as to whether or not the variant is damaging to the protein structure/function. Therefore, based on the currently available information, it is unclear whether this variant is a pathogenic mutation or a rare benign variant. The variant is found in NEUROPATHY panel(s).

PreventionGenetics, part of Exact Sciences
Classification: Uncertain significance for REEP1-related condition. Last evaluated: 2024-03-06. Review status: no assertion criteria provided. Collection method: clinical testing. Allele origin: germline. Not counted in ClinVar's aggregate classification.
Comment: The REEP1 c.2T>G variant is predicted to disrupt the translation initiation site (Start loss). This variant was reported in an individual with mental decline, gait anomalies, muscle anomalies, and positive Babinski sign (Case 13, Table 1, Cui et al. 2020. PubMed ID: 32501971). This variant has not been reported in a large population database, indicating this variant is rare. At this time, the clinical significance of this variant is uncertain due to the absence of conclusive functional and genetic evidence.

NM_001371279.1(REEP1):c.10T>G (p.Trp4Gly)

Gene: REEP1 (receptor accessory protein 1; minus strand). Cytogenetic location: 2p11.2.
Variant type: single nucleotide variant.
Coding change: c.10T>G on transcript NM_001371279.1 (MANE Select); coding-DNA position 10, T replaced by G.
Protein change: p.Trp4Gly; replaces tryptophan 4 with glycine.
Molecular consequence: missense variant. On other transcripts: initiator codon variant (1), intron variant (1).
Genome position (GRCh38, 1-based): chr2:86,337,501, A>C on the plus strand (T>G on the coding strand, the complement: REEP1 is on the minus strand). VCF-style: chr2-86337501-A-C. GRCh37 (hg19) VCF-style: chr2-86564624-A-C.
Other names: c.2T>G, p.Met1Arg (NM_001164731.2); c.10T>G, p.Trp4Gly (NM_001164732.2, NM_001371280.1, NM_022912.3); c.53+523T>G (NM_001164730.2); short protein forms W4G, M1R.
Identifiers: ClinVar variation 215086 (VCV000215086.12), dbSNP rs863224189, ClinGen allele CA319904.